The following is an entry in ClinVar:

ClinVar aggregate classification (germline): Uncertain significance (1 of 4 stars; one submission).

Submission:

GeneDx
Classification: Uncertain significance. Last evaluated: 2019-11-05. Review status: criteria provided, single submitter. Criteria: GeneDx Variant Classification Process June 2021. Collection method: clinical testing. Allele origin: germline. Affected: yes.
Comment: Not observed in large population cohorts (Lek et al., 2016); The majority of missense variants in this gene are considered pathogenic (Stenson et al., 2014); In silico analysis, which includes protein predictors and evolutionary conservation, supports that this variant does not alter protein structure/function; Has not been previously published as pathogenic or benign to our knowledge; This substitution is predicted to be within the extracellular loop between the S5 and S6 transmembrane segments of the fourth homologous domain

NM_001040142.2(SCN2A):c.5204A>G (p.Lys1735Arg)

Gene: SCN2A (sodium voltage-gated channel alpha subunit 2; plus strand). Cytogenetic location: 2q24.3.
Variant type: single nucleotide variant.
Coding change: c.5204A>G on transcript NM_001040142.2 (MANE Select); coding-DNA position 5204, A replaced by G.
Protein change: p.Lys1735Arg; replaces lysine 1735 with arginine.
Molecular consequence: missense variant.
Genome position (GRCh38, 1-based): chr2:165,389,010, A>G. VCF-style: chr2-165389010-A-G. GRCh37 (hg19) VCF-style: chr2-166245520-A-G.
Other names: c.5204A>G, p.Lys1735Arg (NM_001040143.2, NM_001371246.1, NM_001371247.1 and 1 more transcripts); short protein forms K1735R.
Identifiers: ClinVar variation 1318669 (VCV001318669.2), dbSNP rs2105402727, ClinGen allele CA349038440.